The following is an entry in ClinVar:

ClinVar aggregate classification (germline): Uncertain significance (1 of 4 stars; one submission).

Conditions:
Hereditary cancer-predisposing syndrome. Also called: Tumor predisposition; Hereditary Cancer Syndrome; Neoplastic Syndromes, Hereditary; Hereditary neoplastic syndrome. Identifiers: Orphanet 140162, MedGen C0027672, MeSH D009386, MONDO:0015356.

Submission:

Ambry Genetics
Classification: Uncertain significance for Hereditary cancer-predisposing syndrome. Last evaluated: 2022-04-25. Review status: criteria provided, single submitter. Criteria: Ambry Variant Classification Scheme 2023. Collection method: clinical testing. Allele origin: germline.
Comment: The p.P865L variant (also known as c.2594C>T), located in coding exon 10 of the MET gene, results from a C to T substitution at nucleotide position 2594. The proline at codon 865 is replaced by leucine, an amino acid with similar properties. This amino acid position is conserved. In addition, the in silico prediction for this alteration is inconclusive. Since supporting evidence is limited at this time, the clinical significance of this alteration remains unclear.

NM_000245.4(MET):c.2540C>T (p.Pro847Leu)

Gene: MET (MET proto-oncogene, receptor tyrosine kinase; plus strand). Cytogenetic location: 7q31.2.
Variant type: single nucleotide variant.
Coding change: c.2540C>T on transcript NM_000245.4 (MANE Select); coding-DNA position 2540, C replaced by T.
Protein change: p.Pro847Leu; replaces proline 847 with leucine.
Molecular consequence: missense variant.
Genome position (GRCh38, 1-based): chr7:116,763,225, C>T. VCF-style: chr7-116763225-C-T. GRCh37 (hg19) VCF-style: chr7-116403279-C-T.
Other names: c.2594C>T, p.Pro865Leu (NM_001127500.3); c.2540C>T, p.Pro847Leu (NM_001324401.3); c.1250C>T, p.Pro417Leu (NM_001324402.2); short protein forms P417L, P865L, P847L.
Identifiers: ClinVar variation 1793555 (VCV001793555.2), dbSNP rs2116956803, ClinGen allele CA368983587.